The following is an entry in ClinVar:

NM_000179.3(MSH6):c.1276T>G (p.Cys426Gly)

Gene: MSH6 (mutS homolog 6; plus strand). Cytogenetic location: 2p16.3.
Variant type: single nucleotide variant.
Coding change: c.1276T>G on transcript NM_000179.3 (MANE Select); coding-DNA position 1276, T replaced by G.
Protein change: p.Cys426Gly; replaces cysteine 426 with glycine.
Molecular consequence: missense variant.
Genome position (GRCh38, 1-based): chr2:47,799,259, T>G. VCF-style: chr2-47799259-T-G. GRCh37 (hg19) VCF-style: chr2-48026398-T-G.
Other names: c.886T>G, p.Cys296Gly (NM_001281492.2); c.370T>G, p.Cys124Gly (NM_001281493.2, NM_001281494.2, NM_001406811.1 and 6 more transcripts); c.1372T>G, p.Cys458Gly (NM_001406795.1, NM_001406802.1); c.1276T>G, p.Cys426Gly (NM_001406796.1, NM_001406798.1, NM_001406800.1 and 4 more transcripts); c.979T>G, p.Cys327Gly (NM_001406797.1, NM_001406801.1, NM_001406805.1 and 10 more transcripts); c.751T>G, p.Cys251Gly (NM_001406799.1, NM_001406806.1, NM_001406807.1); c.1198T>G, p.Cys400Gly (NM_001406804.1); c.1282T>G, p.Cys428Gly (NM_001406813.1); and 1 more; short protein forms C370G, C296G, C327G, C400G, C428G, C124G, C251G, C426G.
Identifiers: ClinVar variation 1766707 (VCV001766707.2), dbSNP rs2104332841, ClinGen allele CA346744071.

ClinVar aggregate classification (germline): Uncertain significance (1 of 4 stars; one submission).

Conditions:
Hereditary cancer-predisposing syndrome. Also called: Hereditary Cancer Syndrome; Hereditary neoplastic syndrome; Neoplastic Syndromes, Hereditary; Tumor predisposition. Identifiers: Orphanet 140162, MedGen C0027672, MeSH D009386, MONDO:0015356.

Submission:

Ambry Genetics
Classification: Uncertain significance for Hereditary cancer-predisposing syndrome. Last evaluated: 2018-11-16. Review status: criteria provided, single submitter. Criteria: Ambry Variant Classification Scheme 2023. Collection method: clinical testing. Allele origin: germline.
Comment: The p.C426G variant (also known as c.1276T>G), located in coding exon 4 of the MSH6 gene, results from a T to G substitution at nucleotide position 1276. The cysteine at codon 426 is replaced by glycine, an amino acid with highly dissimilar properties. This amino acid position is poorly conserved in available vertebrate species. In addition, the in silico prediction for this alteration is inconclusive. In addition, the CoDP in silico tool predicts this alteration to have minor impact on molecular function, with a score of 0.299 (Terui H et al. J. Biomed. Sci. 2013 Apr;20:25). Since supporting evidence is limited at this time, the clinical significance of this alteration remains unclear.